The following is an entry in ClinVar:

NM_000124.4(ERCC6):c.4186A>G (p.Arg1396Gly)

Gene: ERCC6 (ERCC excision repair 6, chromatin remodeling factor; minus strand). Cytogenetic location: 10q11.23.
Variant type: single nucleotide variant.
Coding change: c.4186A>G on transcript NM_000124.4 (MANE Select); coding-DNA position 4186, A replaced by G.
Protein change: p.Arg1396Gly; replaces arginine 1396 with glycine.
Molecular consequence: missense variant.
Genome position (GRCh38, 1-based): chr10:49,459,111, T>C on the plus strand (A>G on the coding strand, the complement: ERCC6 is on the minus strand). VCF-style: chr10-49459111-T-C. GRCh37 (hg19) VCF-style: chr10-50667157-T-C.
Other names: c.4186A>G, p.Arg1396Gly (NM_001346440.2); short protein forms R1396G.
Identifiers: ClinVar variation 190173 (VCV000190173.7), dbSNP rs745352643, ClinGen allele CA199600.

ClinVar aggregate classification (germline): Uncertain significance. Review status: criteria provided, multiple submitters, no conflicts (2 of 4 stars). 5 submissions from 5 submitters: Uncertain significance (4). 1 of the submissions does not count toward it. Last evaluated 2025-10-27.

Conditions:
DE SANCTIS-CACCHIONE SYNDROME. Identifiers: MedGen C0265201, MONDO:0010217, OMIM 278800.
Lung carcinoma. Identifiers: MedGen C0684249, MONDO:0005138.
Cerebrooculofacioskeletal syndrome 1 (COFS1). Also called: Cerebro-oculo-facio-skeletal syndrome 1. Identifiers: MedGen C0220722, MONDO:0008955, OMIM 214150.
Cockayne syndrome type 2 (CSB). Also called: COCKAYNE SYNDROME B; Cockayne Syndrome, Type II. Identifiers: Orphanet 191, Orphanet 90322, MedGen C0751038, MONDO:0019570, OMIM 133540.
UV-sensitive syndrome 1 (UVSS1). Identifiers: Orphanet 178338, MedGen C3551173, MONDO:0010909, OMIM 600630.
Age related macular degeneration 5. Identifiers: MedGen C3151063, MONDO:0013409, OMIM 613761.
Premature ovarian failure 11 (POF11). Identifiers: MedGen C4310783, MONDO:0014843, OMIM 616946.
Inborn genetic diseases. Identifiers: MedGen C0950123, MeSH D030342.

Allele frequency attached by ClinVar (database versions not stated): TOPMed 0.00001; ExAC 0.00002; gnomAD exomes 0.00002 and 0.00003; gnomAD 0.00003.
gnomAD v4.1: 48 of 1,614,244 alleles (0.003%); highest among the groups gnomAD compares: Non-Finnish European, 0.0039%; no homozygotes.

Submissions (5):

Labcorp Genetics (formerly Invitae), Labcorp
Classification: Uncertain significance. Last evaluated: 2025-10-27. Review status: criteria provided, single submitter. Criteria: Invitae Variant Classification Sherloc (09022015). Collection method: clinical testing. Allele origin: germline.
Comment: This sequence change replaces arginine, which is basic and polar, with glycine, which is neutral and non-polar, at codon 1396 of the ERCC6 protein (p.Arg1396Gly). This variant is present in population databases (rs745352643, gnomAD 0.006%). This variant has not been reported in the literature in individuals affected with ERCC6-related conditions. ClinVar contains an entry for this variant (Variation ID: 190173). An algorithm developed to predict the effect of missense changes on protein structure and function (PolyPhen-2) suggests that this variant is likely to be disruptive. In summary, the available evidence is currently insufficient to determine the role of this variant in disease. Therefore, it has been classified as a Variant of Uncertain Significance.

Ambry Genetics
Classification: Uncertain significance for Inborn genetic diseases. Last evaluated: 2024-05-28. Review status: criteria provided, single submitter. Criteria: Ambry Variant Classification Scheme 2023. Collection method: clinical testing. Allele origin: germline.

Fulgent Genetics
Classification: Uncertain significance for Cockayne syndrome type 2; Lung cancer; Cerebrooculofacioskeletal syndrome 1; DE SANCTIS-CACCHIONE SYNDROME; UV-sensitive syndrome 1; Age related macular degeneration 5; Premature ovarian failure 11. Last evaluated: 2018-10-31. Review status: criteria provided, single submitter. Criteria: ACMG Guidelines, 2015. Collection method: clinical testing. Allele origin: unknown.

Claritas Genomics
Classification: Uncertain significance. Last evaluated: 2010-09-27. Review status: criteria provided, single submitter. Criteria: ACMG Guidelines, 2007. Collection method: clinical testing. Allele origin: germline. Inheritance: Autosomal recessive inheritance.

Counsyl
Classification: Uncertain significance for Cockayne syndrome type 2; Cerebrooculofacioskeletal syndrome 1; DE SANCTIS-CACCHIONE SYNDROME. Last evaluated: 2017-02-09. Review status: no assertion criteria provided. Collection method: clinical testing. Allele origin: unknown. Not counted in ClinVar's aggregate classification.